The following is an entry in ClinVar:

ClinVar aggregate classification (germline): Uncertain significance. Review status: criteria provided, multiple submitters, no conflicts (2 of 4 stars). 4 submissions from 4 submitters: Uncertain significance (3). 1 of the submissions does not count toward it. Last evaluated 2023-11-08.

Conditions:
Decreased circulating carnitine concentration. Also called: Decreased plasma carnitine. Identifiers: MedGen C5848230, HP:0003234.
Renal carnitine transport defect (CDSP). Also called: CARNITINE DEFICIENCY, SYSTEMIC, DUE TO DEFECT IN RENAL REABSORPTION OF CARNITINE; CARNITINE TRANSPORTER, PLASMA-MEMBRANE, DEFICIENCY OF; CARNITINE UPTAKE DEFECT; Carnitine transporter deficiency; Carnitine Deficiency, Systemic; Primary carnitine deficiency. Identifiers: Orphanet 158, MedGen C0342788, MONDO:0008919, OMIM 212140.

Allele frequency attached by ClinVar (database versions not stated): TOPMed below 0.00001; gnomAD exomes 0.00001 and 0.00002; ExAC 0.00003.
gnomAD v4.1: 5 of 1,614,036 alleles (0.00031%); highest among the groups gnomAD compares: Admixed American, 0.0083%; no homozygotes.

Submissions (4):

Labcorp Genetics (formerly Invitae), Labcorp
Classification: Uncertain significance for Renal carnitine transport defect. Last evaluated: 2023-11-08. Review status: criteria provided, single submitter. Criteria: Invitae Variant Classification Sherloc (09022015). Collection method: clinical testing. Allele origin: germline.
Comment: This sequence change replaces cysteine, which is neutral and slightly polar, with arginine, which is basic and polar, at codon 236 of the SLC22A5 protein (p.Cys236Arg). This variant is present in population databases (rs747050292, gnomAD 0.01%). This missense change has been observed in individual(s) with a positive newborn screening result for SLC22A5-related disease (Invitae). ClinVar contains an entry for this variant (Variation ID: 575922). Advanced modeling of protein sequence and biophysical properties (such as structural, functional, and spatial information, amino acid conservation, physicochemical variation, residue mobility, and thermodynamic stability) performed at Invitae indicates that this missense variant is expected to disrupt SLC22A5 protein function with a positive predictive value of 95%. In summary, the available evidence is currently insufficient to determine the role of this variant in disease. Therefore, it has been classified as a Variant of Uncertain Significance.

Giacomini Lab, University of California, San Francisco
Classification: Uncertain significance for Renal carnitine transport defect. Last evaluated: 2022-10-03. Review status: criteria provided, single submitter. Criteria: ACMG Guidelines, 2015. Collection method: research, in vitro. Allele origin: germline, not applicable.

ARUP Laboratories, Molecular Genetics and Genomics, ARUP Laboratories
Classification: Uncertain significance for Renal carnitine transport defect. Last evaluated: 2021-01-25. Review status: criteria provided, single submitter. Criteria: ARUP Molecular Germline Variant Investigation Process 2021. Collection method: clinical testing. Allele origin: germline.
Comment: The SLC22A5 c.706T>C; p.Cys236Arg variant (rs747050292), to our knowledge, is not reported in the medical literature but is reported in ClinVar (Variation ID: 575922). This variant is found in the Latino population with an allele frequency of 0.01% (5/34592 alleles) in the Genome Aggregation Database. The cysteine at codon 236 is highly conserved, and computational analyses predict that this variant is deleterious (REVEL: 0.754). However, given the lack of clinical and functional data, the significance of the p.Cys236Arg variant is uncertain at this time.

Natera, Inc.
Classification: Uncertain significance for Carnitine deficiency. Last evaluated: 2019-11-11. Review status: no assertion criteria provided. Collection method: clinical testing. Allele origin: germline. Not counted in ClinVar's aggregate classification.

NM_003060.4(SLC22A5):c.706T>C (p.Cys236Arg)

Gene: SLC22A5 (solute carrier family 22 member 5; plus strand). Cytogenetic location: 5q31.1.
Variant type: single nucleotide variant.
Coding change: c.706T>C on transcript NM_003060.4 (MANE Select); coding-DNA position 706, T replaced by C.
Protein change: p.Cys236Arg; replaces cysteine 236 with arginine.
Molecular consequence: missense variant.
Genome position (GRCh38, 1-based): chr5:132,385,381, T>C. VCF-style: chr5-132385381-T-C. GRCh37 (hg19) VCF-style: chr5-131721073-T-C.
Other names: p.Cys236Arg; c.778T>C, p.Cys260Arg (NM_001308122.2); short protein forms C236R, C260R.
Identifiers: ClinVar variation 575922 (VCV000575922.17), dbSNP rs747050292, ClinGen allele CA3403956.